The following is an entry in ClinVar:

ClinVar aggregate classification (germline): Uncertain significance (1 of 4 stars; one submission).

Conditions:
Epilepsy, familial focal, with variable foci 2 (FFEVF2). Identifiers: MedGen C4310709, MONDO:0014924, OMIM 617116.

Allele frequency attached by ClinVar (database versions not stated): gnomAD exomes below 0.00001; ExAC 0.00001.
gnomAD v4.1: 3 of 1,614,138 alleles (0.00019%); highest among the groups gnomAD compares: Non-Finnish European, 0.00025%; no homozygotes.

Submission:

Human Genetics Bochum, Ruhr University Bochum
Classification: Uncertain significance for Epilepsy, familial focal, with variable foci 2. Last evaluated: 2023-12-05. Review status: criteria provided, single submitter. Criteria: ACMG Guidelines, 2015. Collection method: clinical testing. Allele origin: germline. Affected: yes.
Comment: ACMG criteria used to clasify this variant: PM2_SUP

NM_006545.5(NPRL2):c.697G>A (p.Val233Met)

Gene: NPRL2 (NPR2 like, GATOR1 complex subunit; minus strand). Cytogenetic location: 3p21.31.
Variant type: single nucleotide variant.
Coding change: c.697G>A on transcript NM_006545.5 (MANE Select); coding-DNA position 697, G replaced by A.
Protein change: p.Val233Met; replaces valine 233 with methionine.
Molecular consequence: missense variant.
Genome position (GRCh38, 1-based): chr3:50,348,550, C>T on the plus strand (G>A on the coding strand, the complement: NPRL2 is on the minus strand). VCF-style: chr3-50348550-C-T. GRCh37 (hg19) VCF-style: chr3-50385981-C-T.
Other names: short protein forms V233M.
Identifiers: ClinVar variation 3027459 (VCV003027459.1), dbSNP rs758947961, ClinGen allele CA2417512.